The following is an entry in ClinVar:

ClinVar aggregate classification (germline): Pathogenic (1 of 4 stars; one submission).

Conditions:
Ethylmalonic encephalopathy (EE). Also called: Syndrome of encephalopathy, petechiae, and ethylmalonic aciduria; EPEMA syndrome; Encephalopathy, petechiae, and ethylmalonic aciduria. Identifiers: Orphanet 51188, MedGen C1865349, MONDO:0011229, OMIM 602473. Disease mechanism: loss of function.

Submission:

Labcorp Genetics (formerly Invitae), Labcorp
Classification: Pathogenic for Ethylmalonic encephalopathy. Last evaluated: 2021-03-24. Review status: criteria provided, single submitter. Criteria: Invitae Variant Classification Sherloc (09022015). Collection method: clinical testing. Allele origin: germline.
Comment: This sequence change creates a premature translational stop signal (p.Gly87Leufs*60) in the ETHE1 gene. It is expected to result in an absent or disrupted protein product. Loss-of-function variants in ETHE1 are known to be pathogenic (PMID: 14732903, 19136963). This variant is not present in population databases (ExAC no frequency). This variant has not been reported in the literature in individuals with ETHE1-related conditions. For these reasons, this variant has been classified as Pathogenic.

Literature cited by the submitters: PubMed 14732903; PubMed 19136963.

NM_014297.5(ETHE1):c.254_258dup (p.Gly87fs)

Gene: ETHE1 (ETHE1 persulfide dioxygenase; minus strand). Cytogenetic location: 19q13.31.
Variant type: Duplication.
Coding change: c.254_258dup on transcript NM_014297.5 (MANE Select); coding-DNA positions 254 to 258, 5 bases duplicated (TTACA; older notation c.254_258dupTTACA).
Protein change: p.Gly87fs; shifts the reading frame from glycine 87.
Molecular consequence: frameshift variant. On other transcripts: intron variant (2), splice acceptor variant (1).
Genome position (GRCh38, 1-based): chr19:43,526,318-43,526,322, TGTAA duplicated on the plus strand (TTACA on the coding strand, the reverse complement: ETHE1 is on the minus strand); duplicating any 5 consecutive bases within chr19:43,526,318-43,526,325 gives the same sequence; the c. name uses the placement nearest the transcript's 3' end. VCF-style (leftmost placement, unchanged base first): chr19-43526317-C-CTGTAA. GRCh37 (hg19) VCF-style: chr19-44030469-C-CTGTAA.
Other names: c.81+775_81+779dup (NM_001320869.2); c.6+193_6+197dup (NM_001320868.2); c.227-6_227-2dup (NM_001320867.2); short protein forms G87fs.
Identifiers: ClinVar variation 1452053 (VCV001452053.6), dbSNP rs2146019063, ClinGen allele CA2573156464.